The following is an entry in ClinVar:

ClinVar aggregate classification (germline): Pathogenic. Review status: criteria provided, multiple submitters, no conflicts (2 of 4 stars). 4 submissions from 4 submitters: Pathogenic (4). Last evaluated 2025-04-13.

Conditions:
Breast-ovarian cancer, familial, susceptibility to, 2 (BROVCA2). Also called: BRCA2 Hereditary Breast and Ovarian Cancer. Identifiers: Orphanet 145, MedGen C2675520, MONDO:0012933, OMIM 612555. Disease mechanism: loss of function.
Hereditary cancer-predisposing syndrome. Also called: Neoplastic Syndromes, Hereditary; Tumor predisposition; Hereditary Cancer Syndrome; Hereditary neoplastic syndrome. Identifiers: Orphanet 140162, MedGen C0027672, MeSH D009386, MONDO:0015356.
Hereditary breast ovarian cancer syndrome. Also called: Breast and ovarian cancer; Hereditary breast and/or ovarian cancer syndrome; Hereditary breast and ovarian cancer syndrome; BRCA1- and BRCA2-Associated Hereditary Breast and Ovarian Cancer; Hereditary breast and ovarian cancer; Hereditary breast and ovarian cancer syndrome (HBOC). Identifiers: Orphanet 145, MedGen C0677776, MeSH D061325, MONDO:0003582. Disease mechanism: loss of function.
Fanconi anemia complementation group D1. Also called: BRCA2-Related Fanconi Anemia. Identifiers: Orphanet 319462, MedGen C1838457, MONDO:0011584, OMIM 605724.
Prostate cancer. Also called: Malignant tumor of prostate. Identifiers: Orphanet 1331, MedGen C0376358, MONDO:0008315, HP:0012125.
Pancreatic cancer, susceptibility to, 2. Identifiers: Orphanet 1333, MedGen C3150546, MONDO:0013235, OMIM 613347.
Glioma susceptibility 3 (GLM3). Also called: Glioblastoma 3. Identifiers: Orphanet 182067, Orphanet 360, MedGen C2751641, MONDO:0013093, OMIM 613029.
Familial cancer of breast. Also called: Hereditary breast cancer; hereditary breast carcinoma; BREAST CANCER, FAMILIAL. Identifiers: Orphanet 227535, MedGen C0346153, MONDO:0016419, OMIM 114480. Disease mechanism: loss of function.
Wilms tumor 1 (WT1). Also called: Wilms tumor, somatic. Identifiers: Orphanet 654, MedGen CN033288, MONDO:0008679, OMIM 194070.
Medulloblastoma (MDB). Also called: MEDULLOBLASTOMA PREDISPOSITION SYNDROME; Medulloblastoma, somatic. Identifiers: Orphanet 616, MedGen C0025149, MeSH D008527, MONDO:0007959, OMIM 155255, HP:0002885.

Submissions (4):

Molecular Diagnostics Laboratory, Catalan Institute of Oncology
Classification: Pathogenic for Hereditary cancer-predisposing syndrome. Last evaluated: 2025-04-13. Review status: criteria provided, single submitter. Criteria: ClinGen BRCA1BRCA2 ACMG Specifications BRCA2 V1.0.0. Collection method: clinical testing. Allele origin: germline.
Comment: PVS1, PM5_PTC_strong c.4793_4794del, located in exon 11 of the BRCA2 gene, consists in the deletion of 2 nucleotides, causing a translational frameshift with a predicted alternate stop codon (p.(Leu1598Glnfs*2)). This alteration is expected to result in loss of function by premature protein truncation and nonsense-mediated mRNA decay (PVS1, PM5_PTC_strong). It is not present in the population database gnomAD v2.1.1, non cancer dataset . The SpliceAI algorithm predicts no significant impact on splicing. To our knowledge, neither relevant multifactorial analysis nor well-stablished functional studies have been reported for this variant. In addition, the variant has been identified in the ClinVar (3x pathogenic), LOVD (1x pathogenic) and BRCA Exchange (not yet reviewed) databases. Based on the currently available information, c.4793_4794del is classified as a pathogenic variant according to ClinGen-BRCA2 Guidelines version 1.

Myriad Genetics, Inc.
Classification: Pathogenic for Breast-ovarian cancer, familial, susceptibility to, 2. Last evaluated: 2023-09-22. Review status: criteria provided, single submitter. Criteria: Myriad Autosomal Dominant, Autosomal Recessive and X-Linked Classification Criteria (2023). Collection method: clinical testing. Allele origin: unknown.
Comment: This variant is considered pathogenic. This variant creates a frameshift predicted to result in premature protein truncation.

Fulgent Genetics
Classification: Pathogenic for Familial cancer of breast; Medulloblastoma; Familial prostate cancer; Wilms tumor 1; Fanconi anemia complementation group D1; Breast-ovarian cancer, familial, susceptibility to, 2; Glioma susceptibility 3; Pancreatic cancer, susceptibility to, 2. Last evaluated: 2022-04-03. Review status: criteria provided, single submitter. Criteria: ACMG Guidelines, 2015. Collection method: clinical testing. Allele origin: unknown.

Labcorp Genetics (formerly Invitae), Labcorp
Classification: Pathogenic for Hereditary breast ovarian cancer syndrome. Last evaluated: 2021-02-28. Review status: criteria provided, single submitter. Criteria: Invitae Variant Classification Sherloc (09022015). Collection method: clinical testing. Allele origin: germline.
Comment: For these reasons, this variant has been classified as Pathogenic. This sequence change creates a premature translational stop signal (p.Leu1598Glnfs*2) in the BRCA2 gene. It is expected to result in an absent or disrupted protein product. This variant is not present in population databases (ExAC no frequency). This variant has not been reported in the literature in individuals with BRCA2-related conditions. Loss-of-function variants in BRCA2 are known to be pathogenic (PMID: 20104584).

Literature cited by the submitters: PubMed 20104584 (cited by Labcorp Genetics (formerly Invitae), Labcorp).

NM_000059.4(BRCA2):c.4793_4794del (p.Leu1598fs)

Gene: BRCA2 (BRCA2 DNA repair associated; plus strand). Cytogenetic location: 13q13.1.
Variant type: Microsatellite.
Coding change: c.4793_4794del on transcript NM_000059.4 (MANE Select); coding-DNA positions 4793 to 4794, 2 bases deleted (TC; older notation c.4793_4794delTC).
Protein change: p.Leu1598fs; shifts the reading frame from leucine 1598.
Molecular consequence: frameshift variant.
Genome position (GRCh38, 1-based): chr13:32,339,148-32,339,149, TC deleted; deleting any 2 consecutive bases within chr13:32,339,144-32,339,149 gives the same sequence; the c. name uses the placement nearest the transcript's 3' end. VCF-style (leftmost placement, unchanged base first): chr13-32339143-TTC-T. GRCh37 (hg19) VCF-style: chr13-32913280-TTC-T.
Other names: short protein forms L1598fs.
Identifiers: ClinVar variation 1456139 (VCV001456139.9), dbSNP rs2137510225, ClinGen allele CA2580614690.
Genomic context (GRCh38, chr13:32,339,143, plus strand): 5'-TGAATTAGCATGTGAGACCATTGAGATCACAGCTGCCCCAAAGTGTAAAGAAATGCAGAA[TTC>T]TCTCAATAATGATAAAAACCTTGTTTCTATTGAGACTGTGGTGCCACCTAAGCTCTTAAG-3'